The following is an entry in ClinVar:

ClinVar aggregate classification (germline): Uncertain significance (1 of 4 stars; one submission).

Submission:

Labcorp Genetics (formerly Invitae), Labcorp
Classification: Uncertain significance. Last evaluated: 2023-10-03. Review status: criteria provided, single submitter. Criteria: Invitae Variant Classification Sherloc (09022015). Collection method: clinical testing. Allele origin: germline.
Comment: This sequence change replaces asparagine, which is neutral and polar, with aspartic acid, which is acidic and polar, at codon 529 of the TJP2 protein (p.Asn529Asp). This variant is not present in population databases (gnomAD no frequency). This variant has not been reported in the literature in individuals affected with TJP2-related conditions. ClinVar contains an entry for this variant (Variation ID: 1499550). Advanced modeling of protein sequence and biophysical properties (such as structural, functional, and spatial information, amino acid conservation, physicochemical variation, residue mobility, and thermodynamic stability) has been performed at Invitae for this missense variant, however the output from this modeling did not meet the statistical confidence thresholds required to predict the impact of this variant on TJP2 protein function. In summary, the available evidence is currently insufficient to determine the role of this variant in disease. Therefore, it has been classified as a Variant of Uncertain Significance.

NM_004817.4(TJP2):c.1585A>G (p.Asn529Asp)

Gene: TJP2 (tight junction protein 2; plus strand). Cytogenetic location: 9q21.11.
Variant type: single nucleotide variant.
Coding change: c.1585A>G on transcript NM_004817.4 (MANE Select); coding-DNA position 1585, A replaced by G.
Protein change: p.Asn529Asp; replaces asparagine 529 with aspartic acid.
Molecular consequence: missense variant.
Genome position (GRCh38, 1-based): chr9:69,230,146, A>G. VCF-style: chr9-69230146-A-G. GRCh37 (hg19) VCF-style: chr9-71845062-A-G.
Other names: c.1516A>G, p.Asn506Asp (NM_001170414.2, NM_001369871.1); c.1597A>G, p.Asn533Asp (NM_001170415.1, NM_001369874.1, NM_001369875.1); c.1678A>G, p.Asn560Asp (NM_001170416.2); c.1510A>G, p.Asn504Asp (NM_001369870.1); c.1585A>G, p.Asn529Asp (NM_001369872.1, NM_001369873.1, NM_201629.3); short protein forms N504D, N529D, N533D, N506D, N560D.
Identifiers: ClinVar variation 1499550 (VCV001499550.8), dbSNP rs1016967366, ClinGen allele CA193362437.
Genomic context (GRCh38, chr9:69,230,146, plus strand): 5'-AATACCAAAATGGTAAGGTTCAAGAAGGGAGACAGCGTGGGCCTCCGGTTGGCTGGTGGC[A>G]ATGATGTCGGGATATTTGTTGCTGGCATTCAAGAAGGGACCTCGGCGGAGCAGGAGGGCC-3'
Protein context (NP_004808.2, residues 519-539): DSVGLRLAGG[Asn529Asp]DVGIFVAGIQ